The following is an entry in ClinVar:

NM_005251.3(FOXC2):c.1430G>C (p.Cys477Ser)

Gene: FOXC2 (forkhead box C2; plus strand). Cytogenetic location: 16q24.1.
Variant type: single nucleotide variant.
Coding change: c.1430G>C on transcript NM_005251.3 (MANE Select); coding-DNA position 1430, G replaced by C.
Protein change: p.Cys477Ser; replaces cysteine 477 with serine.
Molecular consequence: missense variant.
Genome position (GRCh38, 1-based): chr16:86,568,765, G>C. VCF-style: chr16-86568765-G-C. GRCh37 (hg19) VCF-style: chr16-86602371-G-C.
Other names: short protein forms C477S.
Identifiers: ClinVar variation 3027363 (VCV003027363.22), dbSNP rs2507946766, ClinGen allele CA397010181.

ClinVar aggregate classification (germline): Uncertain significance (1 of 4 stars; one submission).

Submission:

CeGaT Center for Human Genetics Tuebingen
Classification: Uncertain significance. Last evaluated: 2024-02-01. Review status: criteria provided, single submitter. Criteria: CeGaT Center For Human Genetics Tuebingen Variant Classification Criteria Version 2. Collection method: clinical testing. Allele origin: germline. Affected: yes. Observed: 1 variant allele.
Comment: FOXC2: PM2, PP3